The following is an entry in ClinVar:

NM_001046.3(SLC12A2):c.2069A>G (p.Asn690Ser)

Gene: SLC12A2 (solute carrier family 12 member 2; plus strand). Cytogenetic location: 5q23.3.
Variant type: single nucleotide variant.
Coding change: c.2069A>G on transcript NM_001046.3 (MANE Select); coding-DNA position 2069, A replaced by G.
Protein change: p.Asn690Ser; replaces asparagine 690 with serine.
Molecular consequence: missense variant. On other transcripts: non-coding transcript variant (1).
Genome position (GRCh38, 1-based): chr5:128,150,060, A>G. VCF-style: chr5-128150060-A-G. GRCh37 (hg19) VCF-style: chr5-127485752-A-G.
Other names: c.2069A>G (NM_001046.2); c.2069A>G, p.Asn690Ser (NM_001256461.2); short protein forms N690S.
Identifiers: ClinVar variation 3234069 (VCV003234069.2), dbSNP rs200976095, ClinGen allele CA126984619.

ClinVar aggregate classification (germline): Uncertain significance. Review status: criteria provided, multiple submitters, no conflicts (2 of 4 stars). 2 submissions from 2 submitters: Uncertain significance (2). Last evaluated 2026-09-10.

Conditions:
Inborn genetic diseases. Identifiers: MedGen C0950123, MeSH D030342.
Delpire-McNeill syndrome. Also called: SLC12A2-related autosomal dominant infantile-developmental delay-intellectual disability-sensorineural deafness syndrome. Identifiers: Orphanet 633024, MedGen C5436771, MONDO:0033667, OMIM 619083.

Allele frequency attached by ClinVar (database versions not stated): gnomAD exomes below 0.00001; TOPMed below 0.00001; gnomAD 0.00001.
gnomAD v4.1: 6 of 1,609,494 alleles (0.00037%); highest among the groups gnomAD compares: East Asian, 0.0045%; no homozygotes.

Submissions (2):

Ambry Genetics
Classification: Uncertain significance for Inborn genetic diseases. Last evaluated: 2026-09-10. Review status: criteria provided, single submitter. Criteria: Ambry Variant Classification Scheme 2023. Collection method: clinical testing. Allele origin: germline.

MVZ Medizinische Genetik Mainz
Classification: Uncertain significance for Delpire-McNeill syndrome. Last evaluated: 2022-12-29. Review status: criteria provided, single submitter. Criteria: UK Practice Guidelines For Variant Classification V4 01 2020. Collection method: clinical testing. Allele origin: germline. Inheritance: Autosomal dominant inheritance. Affected: yes. Observed: 1 variant allele.
Comment: ACMG Criteria: PM2_SUP, PP2, PP3 (ACMG Version 4)